The following is an entry in ClinVar:

ClinVar aggregate classification (germline): Uncertain significance (0 of 4 stars; one submission).

Allele frequency attached by ClinVar (database versions not stated): gnomAD 0.00001; TOPMed 0.00001; gnomAD exomes 0.00006.
gnomAD v4.1: 67 of 1,218,036 alleles (0.0055%); highest among the groups gnomAD compares: Non-Finnish European, 0.0066%; no homozygotes.

Submission:

Department of Pathology and Laboratory Medicine, Sinai Health System
Classification: Uncertain significance. Review status: no assertion criteria provided. Collection method: clinical testing. Allele origin: unknown. Affected: yes. Study: The Canadian Open Genetics Repository (COGR).
Comment: The CUL3 p.Ser14Cys variant was not identified in the literature nor was it identified in ClinVar, Cosmic, or LOVD 3.0, however the variant was identified in dbSNP (ID: rs1463883315). The variant was also not identified in the following control databases: the 1000 Genomes Project, the NHLBI GO Exome Sequencing Project, the Exome Aggregation Consortium (August 8th 2016), or the Genome Aggregation Database (Feb 27, 2017).The p.Ser14 residue is not conserved in mammals and computational analyses (PolyPhen-2, SIFT, AlignGVGD, BLOSUM, MutationTaster) provide inconsistent predictions regarding the impact to the protein; this information is not very predictive of pathogenicity. The variant occurs outside of the splicing consensus sequence and in silico or computational prediction software programs (SpliceSiteFinder, MaxEntScan, NNSPLICE, GeneSplicer) do not predict a difference in splicing. In summary, based on the above information the clinical significance of this variant cannot be determined with certainty at this time. This variant is classified as a variant of uncertain significance.

NM_003590.5(CUL3):c.67-11876C>G

Gene: CUL3 (cullin 3; minus strand). Cytogenetic location: 2q36.2.
Variant type: single nucleotide variant.
Coding change: c.67-11876C>G on transcript NM_003590.5 (MANE Select); 11876 bases into the intron before coding-DNA position 67, C replaced by G.
Molecular consequence: intron variant. On other transcripts: missense variant (1).
Genome position (GRCh38, 1-based): chr2:224,569,732, G>C on the plus strand (C>G on the coding strand, the complement: CUL3 is on the minus strand). VCF-style: chr2-224569732-G-C. GRCh37 (hg19) VCF-style: chr2-225434449-G-C.
Other names: c.41C>G, p.Ser14Cys (NM_001257198.2); c.66+15212C>G (NM_001257197.2); short protein forms S14C.
Identifiers: ClinVar variation 1049717 (VCV001049717.1), dbSNP rs1463883315, ClinGen allele CA540112165.